The following is an entry in ClinVar:

ClinVar aggregate classification (germline): Uncertain significance. Review status: criteria provided, multiple submitters, no conflicts (2 of 4 stars). 2 submissions from 2 submitters: Uncertain significance (2). Last evaluated 2022-08-31.

Conditions:
Epilepsy, progressive myoclonic, 1B. Also called: PME. Identifiers: Orphanet 308, MedGen C2676254, MONDO:0012904, OMIM 612437.

Allele frequency attached by ClinVar (database versions not stated): TOPMed 0.00001.
gnomAD v4.1: 1 of 1,574,570 alleles (0.000064%); highest among the groups gnomAD compares: African/African-American, 0.0014%; no homozygotes.

Submissions (2):

Labcorp Genetics (formerly Invitae), Labcorp
Classification: Uncertain significance for Epilepsy, progressive myoclonic, 1B. Last evaluated: 2022-08-31. Review status: criteria provided, single submitter. Criteria: Invitae Variant Classification Sherloc (09022015). Collection method: clinical testing. Allele origin: germline.
Comment: In summary, the available evidence is currently insufficient to determine the role of this variant in disease. Therefore, it has been classified as a Variant of Uncertain Significance. Algorithms developed to predict the effect of missense changes on protein structure and function are either unavailable or do not agree on the potential impact of this missense change (SIFT: "Deleterious"; PolyPhen-2: "Probably Damaging"; Align-GVGD: "Class C0"). ClinVar contains an entry for this variant (Variation ID: 1325519). This variant has not been reported in the literature in individuals affected with PRICKLE1-related conditions. This variant is not present in population databases (gnomAD no frequency). This sequence change replaces lysine, which is basic and polar, with glutamine, which is neutral and polar, at codon 304 of the PRICKLE1 protein (p.Lys304Gln).

New York Genome Center
Classification: Uncertain significance. Last evaluated: 2020-06-11. Review status: criteria provided, single submitter. Criteria: NYGC Assertion Criteria 2020. Collection method: clinical testing. Allele origin: inherited. Observed: 1 heterozygote. Study: CSER-NYCKidSeq.

NM_153026.3(PRICKLE1):c.910A>C (p.Lys304Gln)

Genes: PRICKLE1 (prickle planar cell polarity protein 1; minus strand), LOC126861509 (BRD4-independent group 4 enhancer GRCh37_chr12:42858567-42859766; plus strand). Cytogenetic location: 12q12.
Variant type: single nucleotide variant.
Coding change: c.910A>C on transcript NM_153026.3 (MANE Select); coding-DNA position 910, A replaced by C.
Protein change: p.Lys304Gln; replaces lysine 304 with glutamine.
Molecular consequence: missense variant.
Genome position (GRCh38, 1-based): chr12:42,465,124, T>G on the plus strand (A>C on the coding strand, the complement: PRICKLE1 is on the minus strand). VCF-style: chr12-42465124-T-G. GRCh37 (hg19) VCF-style: chr12-42858926-T-G.
Other names: c.910A>C, p.Lys304Gln (NM_001144881.2, NM_001144882.2, NM_001144883.2); short protein forms K304Q.
Identifiers: ClinVar variation 1325519 (VCV001325519.9), dbSNP rs202205425, ClinGen allele CA384442875.
Genomic context (GRCh38, chr12:42,465,124, plus strand): 5'-ACTGAAATGCAGAGTCGGAAGAATCAGAGGCATGGACGTCTTCACCAAGACTGCACGTTT[T>G]TGAGCAGTAAATCTGACCCTGTTTGGGAAGGAAGGGACATCCCAACAAAGAGGCTTTACA-3'
Protein context (NP_694571.2, residues 294-314): LPKQGQIYCS[Lys304Gln]TCSLGEDVHA